The following is an entry in ClinVar:

ClinVar aggregate classification (germline): Uncertain significance (1 of 4 stars; one submission).

Conditions:
Cataract 1 multiple types. Also called: CATARACT 1 WITH MICROCORNEA; CATARACT 1, MULTIPLE TYPES, WITH OR WITHOUT MICROCORNEA; CATARACT 1, POSTERIOR SUBCAPSULAR, WITH MICROCORNEA; CATARACT 1, STELLATE NUCLEAR, WITH MICROCORNEA; CATARACT 1, NUCLEAR PROGRESSIVE; CATARACT, DUFFY-LINKED. Identifiers: Orphanet 1377, MedGen C1861828, MONDO:0007285, OMIM 116200.

Submission:

Juno Genomics, Hangzhou Juno Genomics, Inc
Classification: Uncertain significance for Cataract 1 multiple types. Review status: criteria provided, single submitter. Criteria: ACMG Guidelines, 2015. Collection method: clinical testing. Allele origin: germline. Affected: yes.
Comment: Absent from controls (or at extremely low frequency if recessive) in Genome Aggregation Database, Exome Sequencing Project, 1000 Genomes Project, or Exome Aggregation Consortium.;Multiple lines of computational evidence support a deleterious effect on the gene or gene product (conservation, evolutionary, splicing impact, etc).

NM_005267.5(GJA8):c.472A>C (p.Lys158Gln)

Gene: GJA8 (gap junction protein alpha 8; plus strand). Cytogenetic location: 1q21.2.
Variant type: single nucleotide variant.
Coding change: c.472A>C on transcript NM_005267.5 (MANE Select); coding-DNA position 472, A replaced by C.
Protein change: p.Lys158Gln; replaces lysine 158 with glutamine.
Molecular consequence: missense variant.
Genome position (GRCh38, 1-based): chr1:147,908,427, A>C. VCF-style: chr1-147908427-A-C. GRCh37 (hg19) VCF-style: chr1-147380554-A-C.
Other names: short protein forms K158Q.
Identifiers: ClinVar variation 3382902 (VCV003382902.2).